The following is an entry in ClinVar:

NM_002474.3(MYH11):c.632C>T (p.Thr211Met)

Gene: MYH11 (myosin heavy chain 11; minus strand). Cytogenetic location: 16p13.11.
Variant type: single nucleotide variant.
Coding change: c.632C>T on transcript NM_002474.3 (MANE Select); coding-DNA position 632, C replaced by T.
Protein change: p.Thr211Met; replaces threonine 211 with methionine.
Molecular consequence: missense variant.
Genome position (GRCh38, 1-based): chr16:15,786,631, G>A on the plus strand (C>T on the coding strand, the complement: MYH11 is on the minus strand). VCF-style: chr16-15786631-G-A. GRCh37 (hg19) VCF-style: chr16-15880488-G-A.
Other names: p.T211M:ACG>ATG; c.632C>T, p.Thr211Met (NM_001040113.2, NM_001040114.2, NM_022844.3); short protein forms T211M.
Identifiers: ClinVar variation 201121 (VCV000201121.20), dbSNP rs557865832, ClinGen allele CA306700.

ClinVar aggregate classification (germline): Conflicting classifications of pathogenicity. Review status: criteria provided, conflicting classifications (1 of 4 stars). 6 submissions from 6 submitters: Uncertain significance (4); Likely benign (2). Last evaluated 2026-01-27.

Conditions:
Familial thoracic aortic aneurysm and aortic dissection (TAAD). Also called: Thoracic aortic aneurysms and dissections. Identifiers: Orphanet 91387, MedGen C4707243, MONDO:0019625.
Aortic aneurysm, familial thoracic 4 (AAT4). Also called: AORTIC ANEURYSM/AORTIC DISSECTION AND PATENT DUCTUS ARTERIOSUS. Identifiers: MedGen C1851504, MONDO:0007568, OMIM 132900.

Allele frequency attached by ClinVar (database versions not stated): ExAC 0.00002; gnomAD 0.00002 and 0.00003; TOPMed 0.00002; 1000 Genomes Project 30x 0.00016; 1000 Genomes Project 0.00020.
gnomAD v4.1: 42 of 1,613,814 alleles (0.0026%); highest among the groups gnomAD compares: East Asian, 0.011%; no homozygotes.

Submissions (6):

Labcorp Genetics (formerly Invitae), Labcorp
Classification: Uncertain significance for Aortic aneurysm, familial thoracic 4. Last evaluated: 2026-01-27. Review status: criteria provided, single submitter. Criteria: Invitae Variant Classification Sherloc (09022015). Collection method: clinical testing. Allele origin: germline.
Comment: This sequence change replaces threonine, which is neutral and polar, with methionine, which is neutral and non-polar, at codon 211 of the MYH11 protein (p.Thr211Met). This variant is present in population databases (rs557865832, gnomAD 0.02%). This missense change has been observed in individuals with thoracic aortic dilation (PMID: 36517271; internal data). ClinVar contains an entry for this variant (Variation ID: 201121). An algorithm developed to predict the effect of missense changes on protein structure and function (PolyPhen-2) suggests that this variant is likely to be tolerated. In summary, the available evidence is currently insufficient to determine the role of this variant in disease. Therefore, it has been classified as a Variant of Uncertain Significance.

GeneDx
Classification: Uncertain significance. Last evaluated: 2025-09-24. Review status: criteria provided, single submitter. Criteria: GeneDx Variant Classification Process June 2021. Collection method: clinical testing. Allele origin: germline. Affected: yes.
Comment: Has been reported in an individual with TAAD (PMID: 36517271); In silico analysis suggests that this missense variant does not alter protein structure/function; This variant is associated with the following publications: (PMID: 36517271, 27612425)

Ambry Genetics
Classification: Uncertain significance for Familial thoracic aortic aneurysm and aortic dissection. Last evaluated: 2025-08-12. Review status: criteria provided, single submitter. Criteria: Ambry Variant Classification Scheme 2023. Collection method: clinical testing. Allele origin: germline.
Comment: The p.T211M variant (also known as c.632C>T), located in coding exon 4 of the MYH11 gene, results from a C to T substitution at nucleotide position 632. The threonine at codon 211 is replaced by methionine, an amino acid with similar properties. This amino acid position is conserved. In addition, this alteration is predicted to be tolerated by in silico analysis. Since supporting evidence is limited at this time, the clinical significance of this alteration remains unclear.

All of Us Research Program, National Institutes of Health
Classification: Likely benign for Familial thoracic aortic aneurysm and aortic dissection. Last evaluated: 2024-06-09. Review status: criteria provided, single submitter. Criteria: ACMG Guidelines, 2015. Collection method: clinical testing. Allele origin: germline. Inheritance: Autosomal dominant inheritance. Observed: 12 variant alleles, 12 heterozygotes.
Comment: This study involves interpretation of variants in research participants for the purpose of population health screening. Participant phenotype was not available at the time of variant classification. Additional details can be found in publication PMID: 35346344, PMCID: PMC8962531

Color Diagnostics, LLC DBA Color Health
Classification: Likely benign for Familial thoracic aortic aneurysm and aortic dissection. Last evaluated: 2024-05-22. Review status: criteria provided, single submitter. Criteria: ACMG Guidelines, 2015. Collection method: clinical testing. Allele origin: germline.

Molecular Genetics, Royal Melbourne Hospital
Classification: Uncertain significance for Familial thoracic aortic aneurysm and aortic dissection. Last evaluated: 2022-06-02. Review status: criteria provided, single submitter. Criteria: ACMG Guidelines, 2015. Collection method: clinical testing. Allele origin: germline. Affected: yes.
Comment: This sequence change in MYH11 is predicted to replace threonine with methionine at codon 211, p.(Thr211Met). The threonine residue is moderately conserved (100 vertebrates, UCSC), and is located in the myosin motor domain. There is a moderate physicochemical difference between threonine and methionine. The highest population minor allele frequency in gnomAD v2.1 is 0.02% (4/19,946 alleles) in the East Asian population. To our knowledge, this variant has not been reported in the literature in any individuals with MYH11-related disease. Multiple lines of computational evidence predict a benign effect for the missense substitution (5/5 algorithms). Based on the classification scheme RMH Modified ACMG Guidelines v1.5.1, this variant is classified as a VARIANT OF UNCERTAIN SIGNIFICANCE. Following criteria are met: BP4.

Literature cited by the submitters: PubMed 36517271 (cited by Labcorp Genetics (formerly Invitae), Labcorp).